The following is an entry in ClinVar:

ClinVar aggregate classification (germline): Pathogenic. Review status: criteria provided, multiple submitters, no conflicts (2 of 4 stars). 4 submissions from 4 submitters: Pathogenic (3). 1 of the submissions does not count toward it. Last evaluated 2025-04-24.

Conditions:
RFX7-related disorder. Also called: RFX7-related condition.
Intellectual developmental disorder, autosomal dominant 71, with behavioral abnormalities (MRD71). Identifiers: MedGen C5830437, MONDO:0957228, OMIM 620330.

Submissions (4):

Institute of Human Genetics, University of Leipzig Medical Center
Classification: Pathogenic for Intellectual developmental disorder, autosomal dominant 71, with behavioral abnormalities. Last evaluated: 2025-04-24. Review status: criteria provided, single submitter. Criteria: ACMG Guidelines, 2015. Collection method: clinical testing. Allele origin: de novo. Inheritance: Autosomal dominant inheritance. Affected: yes.
Comment: Criteria applied: PM2_MOD, PS2_STR, PS4_MOD, PM5_MOD, PP2_SUP

PreventionGenetics, part of Exact Sciences
Classification: Pathogenic for RFX7-related condition. Last evaluated: 2025-04-19. Review status: criteria provided, single submitter. Criteria: ACMG Guidelines, 2015. Collection method: clinical testing. Allele origin: germline.
Comment: The RFX7 c.3083C>T variant is predicted to result in the amino acid substitution p.Pro1028Leu. This variant has not been reported in a large population database (gnomAD), indicating this variant is rare. This variant is interpreted as pathogenic.

GeneDx
Classification: Pathogenic. Last evaluated: 2022-04-27. Review status: criteria provided, single submitter. Criteria: GeneDx Variant Classification Process June 2021. Collection method: clinical testing. Allele origin: germline. Affected: yes.
Comment: Not observed at significant frequency in large population cohorts (gnomAD); In silico analysis supports that this missense variant has a deleterious effect on protein structure/function; This variant is associated with the following publications: (PMID: 33658631)

OMIM
Classification: Pathogenic for INTELLECTUAL DEVELOPMENTAL DISORDER, AUTOSOMAL DOMINANT 71, WITH BEHAVIORAL ABNORMALITIES. Last evaluated: 2023-04-19. Review status: no assertion criteria provided. Collection method: literature only. Allele origin: germline. Not counted in ClinVar's aggregate classification.

Literature cited by the submitters: PubMed 33658631 (cited by OMIM).

NM_022841.7(RFX7):c.3083C>T (p.Pro1028Leu)

Gene: RFX7 (regulatory factor X7; minus strand). Cytogenetic location: 15q21.3.
Variant type: single nucleotide variant.
Coding change: c.3083C>T on transcript NM_022841.7 (MANE Select); coding-DNA position 3083, C replaced by T.
Protein change: p.Pro1028Leu; replaces proline 1028 with leucine.
Molecular consequence: missense variant.
Genome position (GRCh38, 1-based): chr15:56,094,645, G>A on the plus strand (C>T on the coding strand, the complement: RFX7 is on the minus strand). VCF-style: chr15-56094645-G-A. GRCh37 (hg19) VCF-style: chr15-56386843-G-A.
Other names: c.2792C>T, p.Pro931Leu (NM_001368073.2, NM_001368074.1, NM_001370554.1); c.3083C>T, p.Pro1028Leu (NM_001370561.1); short protein forms P1028L, P931L.
Identifiers: ClinVar variation 1712559 (VCV001712559.5), dbSNP rs2504987137, ClinGen allele CA392577700.